The following is an entry in ClinVar:

ClinVar aggregate classification (germline): Uncertain significance (1 of 4 stars; one submission).

Conditions:
Dilated cardiomyopathy 1R (CMD1R). Identifiers: Orphanet 154, Orphanet 54260, MedGen C3150681, MONDO:0013261, OMIM 613424.
Atrial septal defect 5 (ASD5). Identifiers: Orphanet 1478, MedGen C2748552, MONDO:0013011, OMIM 612794.
Hypertrophic cardiomyopathy 11. Also called: ACTC1-Related Familial Hypertrophic Cardiomyopathy. Identifiers: MedGen C2677506, MONDO:0012799, OMIM 612098.

Submission:

Labcorp Genetics (formerly Invitae), Labcorp
Classification: Uncertain significance for Dilated cardiomyopathy 1R; Hypertrophic cardiomyopathy 11; Atrial septal defect 5. Last evaluated: 2021-05-31. Review status: criteria provided, single submitter. Criteria: Invitae Variant Classification Sherloc (09022015). Collection method: clinical testing. Allele origin: germline.
Comment: This sequence change replaces valine with leucine at codon 56 of the ACTC1 protein (p.Val56Leu). The valine residue is highly conserved and there is a small physicochemical difference between valine and leucine. In summary, the available evidence is currently insufficient to determine the role of this variant in disease. Therefore, it has been classified as a Variant of Uncertain Significance. Algorithms developed to predict the effect of missense changes on protein structure and function (SIFT, PolyPhen-2, Align-GVGD) all suggest that this variant is likely to be disruptive, but these predictions have not been confirmed by published functional studies and their clinical significance is uncertain. This variant has not been reported in the literature in individuals with ACTC1-related conditions. This variant is not present in population databases (ExAC no frequency).

NM_005159.5(ACTC1):c.166G>C (p.Val56Leu)

Genes: ACTC1 (actin alpha cardiac muscle 1; minus strand), GJD2-DT (GJD2 divergent transcript; plus strand). Cytogenetic location: 15q14.
Variant type: single nucleotide variant.
Coding change: c.166G>C on transcript NM_005159.5 (MANE Select); coding-DNA position 166, G replaced by C.
Protein change: p.Val56Leu; replaces valine 56 with leucine.
Molecular consequence: missense variant.
Genome position (GRCh38, 1-based): chr15:34,793,533, C>G on the plus strand (G>C on the coding strand, the complement: ACTC1 is on the minus strand). VCF-style: chr15-34793533-C-G. GRCh37 (hg19) VCF-style: chr15-35085734-C-G.
Other names: short protein forms V56L.
Identifiers: ClinVar variation 1357696 (VCV001357696.8), dbSNP rs944740404, ClinGen allele CA391632137.